The following is an entry in ClinVar:

ClinVar aggregate classification (germline): Uncertain significance. Review status: criteria provided, multiple submitters, no conflicts (2 of 4 stars). 2 submissions from 2 submitters: Uncertain significance (2). Last evaluated 2024-12-18.

gnomAD v4.1: 4 of 1,613,726 alleles (0.00025%); highest among the groups gnomAD compares: Non-Finnish European, 0.00034%; no homozygotes.

Submissions (2):

Labcorp Genetics (formerly Invitae), Labcorp
Classification: Uncertain significance. Last evaluated: 2024-12-18. Review status: criteria provided, single submitter. Criteria: Invitae Variant Classification Sherloc (09022015). Collection method: clinical testing. Allele origin: germline.
Comment: This sequence change replaces threonine, which is neutral and polar, with isoleucine, which is neutral and non-polar, at codon 2860 of the LRP2 protein (p.Thr2860Ile). The frequency data for this variant in the population databases is considered unreliable, as metrics indicate poor data quality at this position in the gnomAD database. This variant has not been reported in the literature in individuals affected with LRP2-related conditions. ClinVar contains an entry for this variant (Variation ID: 1343595). An algorithm developed to predict the effect of missense changes on protein structure and function (PolyPhen-2) suggests that this variant is likely to be tolerated. In summary, the available evidence is currently insufficient to determine the role of this variant in disease. Therefore, it has been classified as a Variant of Uncertain Significance.

Women's Health and Genetics/Laboratory Corporation of America, LabCorp
Classification: Uncertain significance. Last evaluated: 2022-02-18. Review status: criteria provided, single submitter. Criteria: LabCorp Variant Classification Summary - May 2015. Collection method: clinical testing. Allele origin: germline.

NM_004525.3(LRP2):c.8579C>T (p.Thr2860Ile)

Gene: LRP2 (LDL receptor related protein 2; minus strand). Cytogenetic location: 2q31.1.
Variant type: single nucleotide variant.
Coding change: c.8579C>T on transcript NM_004525.3 (MANE Select); coding-DNA position 8579, C replaced by T.
Protein change: p.Thr2860Ile; replaces threonine 2860 with isoleucine.
Molecular consequence: missense variant.
Genome position (GRCh38, 1-based): chr2:169,197,030, G>A on the plus strand (C>T on the coding strand, the complement: LRP2 is on the minus strand). VCF-style: chr2-169197030-G-A. GRCh37 (hg19) VCF-style: chr2-170053540-G-A.
Other names: short protein forms T2860I.
Identifiers: ClinVar variation 1343595 (VCV001343595.6), dbSNP rs765920078, ClinGen allele CA1953808.